The following is an entry in ClinVar:

ClinVar aggregate classification (germline): Uncertain significance (1 of 4 stars; one submission).

Allele frequency attached by ClinVar (database versions not stated): gnomAD exomes below 0.00001; gnomAD 0.00001; TOPMed 0.00002; ESP Exome Variant Server 0.00008.

Submission:

Labcorp Genetics (formerly Invitae), Labcorp
Classification: Uncertain significance. Last evaluated: 2021-08-27. Review status: criteria provided, single submitter. Criteria: Invitae Variant Classification Sherloc (09022015). Collection method: clinical testing. Allele origin: germline.
Comment: This sequence change replaces proline with leucine at codon 288 of the HTRA2 protein (p.Pro288Leu). The proline residue is highly conserved and there is a moderate physicochemical difference between proline and leucine. This variant is not present in population databases (ExAC no frequency). This variant has not been reported in the literature in individuals affected with HTRA2-related conditions. Algorithms developed to predict the effect of missense changes on protein structure and function are either unavailable or do not agree on the potential impact of this missense change (SIFT: "Deleterious"; PolyPhen-2: "Possibly Damaging"; Align-GVGD: "Class C0"). In summary, the available evidence is currently insufficient to determine the role of this variant in disease. Therefore, it has been classified as a Variant of Uncertain Significance.

NM_013247.5(HTRA2):c.863C>T (p.Pro288Leu)

Gene: HTRA2 (HtrA serine peptidase 2; plus strand). Cytogenetic location: 2p13.1.
Variant type: single nucleotide variant.
Coding change: c.863C>T on transcript NM_013247.5 (MANE Select); coding-DNA position 863, C replaced by T.
Protein change: p.Pro288Leu; replaces proline 288 with leucine.
Molecular consequence: missense variant. On other transcripts: non-coding transcript variant (4), intron variant (1).
Genome position (GRCh38, 1-based): chr2:74,531,062, C>T. VCF-style: chr2-74531062-C-T. GRCh37 (hg19) VCF-style: chr2-74758189-C-T.
Other names: c.863C>T, p.Pro288Leu (NM_001321727.1, NM_001321728.1); c.711+241C>T (NM_145074.2); short protein forms P288L.
Identifiers: ClinVar variation 1036225 (VCV001036225.6), dbSNP rs374733787, ClinGen allele CA50487908.